The following is an entry in ClinVar:

NM_000719.7(CACNA1C):c.4233-1G>A

Gene: CACNA1C (calcium voltage-gated channel subunit alpha1 C; plus strand). Cytogenetic location: 12p13.33.
Variant type: single nucleotide variant.
Coding change: c.4233-1G>A on transcript NM_000719.7 (MANE Select); the canonical splice acceptor site of the intron before coding-DNA position 4233, G replaced by A.
Molecular consequence: splice acceptor variant.
Genome position (GRCh38, 1-based): chr12:2,664,824, G>A. VCF-style: chr12-2664824-G-A. GRCh37 (hg19) VCF-style: chr12-2773990-G-A.
Other names: c.4233-1G>A (NM_001167624.3, NM_001167623.2, NM_001129840.2 and 7 more transcripts); c.4200-1G>A (NM_001167625.2, NM_001129837.2, NM_001129838.2 and 1 more transcripts); c.4377-1G>A (NM_199460.4, NM_001129827.2); c.4293-1G>A (NM_001129832.2); c.4317-1G>A (NM_001129831.2); c.4299-1G>A (NM_001129829.2); c.4194-1G>A (NM_001129839.2); c.4284-1G>A (NM_001129836.2); and 1 more.
Identifiers: ClinVar variation 2578446 (VCV002578446.3), dbSNP rs2529624150, ClinGen allele CA383375491.

ClinVar aggregate classification (germline): Likely pathogenic (1 of 4 stars; one submission).

Conditions:
Neurodevelopmental disorder with hypotonia, language delay, and skeletal defects with or without seizures (NEDHLSS). Identifiers: MedGen C5774213, MONDO:0859286, OMIM 620029.

Submission:

Institute of Human Genetics, University of Leipzig Medical Center
Classification: Likely pathogenic for Neurodevelopmental disorder with hypotonia, language delay, and skeletal defects with or without seizures. Last evaluated: 2023-08-21. Review status: criteria provided, single submitter. Criteria: ACMG Guidelines, 2015. Collection method: clinical testing. Allele origin: maternal. Inheritance: Autosomal dominant inheritance. Affected: yes.
Comment: Criteria applied: PVS1,PM2_SUP